The following is an entry in ClinVar:

NM_000059.4(BRCA2):c.67+82C>G

Gene: BRCA2 (BRCA2 DNA repair associated; plus strand). Cytogenetic location: 13q13.1.
Variant type: single nucleotide variant.
Coding change: c.67+82C>G on transcript NM_000059.4 (MANE Select); 82 bases into the intron after coding-DNA position 67, C replaced by G.
Molecular consequence: intron variant.
Genome position (GRCh38, 1-based): chr13:32,316,609, C>G. VCF-style: chr13-32316609-C-G. GRCh37 (hg19) VCF-style: chr13-32890746-C-G.
Other names: IVS2+82C>G.
Identifiers: ClinVar variation 52164 (VCV000052164.14), dbSNP rs189026060, ClinGen allele CA024405.

ClinVar aggregate classification (germline): Benign. Review status: reviewed by expert panel (3 of 4 stars). 7 submissions from 7 submitters: Benign (1). 6 of the submissions do not count toward it. Last evaluated 2019-06-18.

Conditions:
Hereditary breast ovarian cancer syndrome. Also called: Hereditary breast and ovarian cancer syndrome; Hereditary breast and ovarian cancer; Hereditary breast and ovarian cancer syndrome (HBOC); Breast and ovarian cancer; Hereditary breast and/or ovarian cancer syndrome; BRCA1- and BRCA2-Associated Hereditary Breast and Ovarian Cancer. Identifiers: Orphanet 145, MedGen C0677776, MeSH D061325, MONDO:0003582. Disease mechanism: loss of function.
Hereditary cancer-predisposing syndrome. Also called: Neoplastic Syndromes, Hereditary; Tumor predisposition; Hereditary neoplastic syndrome; Hereditary Cancer Syndrome. Identifiers: Orphanet 140162, MedGen C0027672, MeSH D009386, MONDO:0015356.
Breast-ovarian cancer, familial, susceptibility to, 2 (BROVCA2). Also called: BRCA2 Hereditary Breast and Ovarian Cancer. Identifiers: Orphanet 145, MedGen C2675520, MONDO:0012933, OMIM 612555. Disease mechanism: loss of function.

Allele frequency attached by ClinVar (database versions not stated): 1000 Genomes Project 30x 0.00094; 1000 Genomes Project 0.00100; gnomAD 0.00272 and 0.00281; TOPMed 0.00292.
gnomAD v4.1: 4,020 of 1,188,390 alleles (0.34%); highest among the groups gnomAD compares: Middle Eastern, 1.7%; 18 homozygotes.

Submissions (7):

Evidence-based Network for the Interpretation of Germline Mutant Alleles (ENIGMA)
Classification: Benign for Breast-ovarian cancer, familial, susceptibility to, 2. Last evaluated: 2019-06-18. Review status: reviewed by expert panel. Criteria: ENIGMA BRCA1/2 Classification Criteria (2017-06-29). Collection method: curation. Allele origin: germline.
Comment: IARC class based on posterior probability from multifactorial likelihood analysis, thresholds for class as per Plon et al. 2008 (PMID: 18951446). Class 1 based on posterior probability = 7.82E-136

Labcorp Genetics (formerly Invitae), Labcorp
Classification: Benign for Hereditary breast ovarian cancer syndrome. Last evaluated: 2026-01-05. Review status: criteria provided, single submitter. Criteria: Invitae Variant Classification Sherloc (09022015). Collection method: clinical testing. Allele origin: germline. Not counted in ClinVar's aggregate classification.

Vantari Genetics
Classification: Uncertain significance for Hereditary cancer-predisposing syndrome. Last evaluated: 2016-02-04. Review status: criteria provided, single submitter. Criteria: ACMG Guidelines, 2015. Collection method: clinical testing. Allele origin: germline. Not counted in ClinVar's aggregate classification.

Breakthrough Genomics
Classification: Benign. Review status: criteria provided, single submitter. Criteria: ACMG Guidelines, 2015. Collection method: not provided. Allele origin: germline. Inheritance: Autosomal recessive inheritance. Affected: yes. Not counted in ClinVar's aggregate classification.

Breast Cancer Information Core (BIC) (BRCA2)
Classification: Uncertain significance for Breast-ovarian cancer, familial 2. Last evaluated: 2010-12-17. Review status: no assertion criteria provided. Collection method: clinical testing. Allele origin: germline. Affected: yes. Observed: 3 variant alleles. Not counted in ClinVar's aggregate classification.

Clinical Genetics Laboratory, Department of Pathology, Netherlands Cancer Institute
Classification: Likely benign. Review status: no assertion criteria provided. Collection method: clinical testing. Allele origin: germline. Affected: yes. Study: VKGL Data-share Consensus. Not counted in ClinVar's aggregate classification.

Genome Diagnostics Laboratory, University Medical Center Utrecht
Classification: Likely benign. Review status: no assertion criteria provided. Collection method: clinical testing. Allele origin: germline. Affected: yes. Study: VKGL Data-share Consensus. Not counted in ClinVar's aggregate classification.

Literature cited by the submitters: PubMed 31131967 (cited by Evidence-based Network for the Interpretation of Germline Mutant Alleles (ENIGMA)).